The following is an entry in ClinVar:

NM_022436.3(ABCG5):c.351_354dup (p.Ala119fs)

Gene: ABCG5 (ATP binding cassette subfamily G member 5; minus strand). Cytogenetic location: 2p21.
Variant type: Duplication.
Coding change: c.351_354dup on transcript NM_022436.3 (MANE Select); coding-DNA positions 351 to 354, 4 bases duplicated (CCGG; older notation c.351_354dupCCGG).
Protein change: p.Ala119fs; shifts the reading frame from alanine 119.
Molecular consequence: frameshift variant.
Genome position (GRCh38, 1-based): chr2:43,831,995-43,831,998, CCGG duplicated on the plus strand (CCGG on the coding strand, the reverse complement: ABCG5 is on the minus strand); duplicating any 4 consecutive bases within chr2:43,831,995-43,832,001 gives the same sequence; the c. name uses the placement nearest the transcript's 3' end. VCF-style (leftmost placement, unchanged base first): chr2-43831994-C-CCCGG. GRCh37 (hg19) VCF-style: chr2-44059133-C-CCCGG.
Other names: short protein forms A119fs.
Identifiers: ClinVar variation 3061912 (VCV003061912.1), dbSNP rs1482373824, ClinGen allele CA532702902.

ClinVar aggregate classification (germline): Likely pathogenic (1 of 4 stars; one submission).

Conditions:
Sitosterolemia 2. Identifiers: MedGen C5231453, MONDO:0020748, OMIM 618666.

Submission:

MVZ Medizinische Genetik Mainz
Classification: Likely pathogenic for Sitosterolemia 2. Last evaluated: 2023-07-25. Review status: criteria provided, single submitter. Criteria: UK Practice Guidelines For Variant Classification V4 01 2020. Collection method: clinical testing. Allele origin: germline. Inheritance: Autosomal recessive inheritance. Affected: yes. Observed: 1 variant allele.
Comment: PVS1,PM2_SUP